The following is an entry in ClinVar:

NM_017491.5(WDR1):c.482G>A (p.Arg161Gln)

Gene: WDR1 (WD repeat domain 1; minus strand). Cytogenetic location: 4p16.1.
Variant type: single nucleotide variant.
Coding change: c.482G>A on transcript NM_017491.5 (MANE Select); coding-DNA position 482, G replaced by A.
Protein change: p.Arg161Gln; replaces arginine 161 with glutamine.
Molecular consequence: missense variant. On other transcripts: intron variant (1).
Genome position (GRCh38, 1-based): chr4:10,097,787, C>T on the plus strand (G>A on the coding strand, the complement: WDR1 is on the minus strand). VCF-style: chr4-10097787-C-T. GRCh37 (hg19) VCF-style: chr4-10099411-C-T.
Other names: c.139-9046G>A (NM_005112.5); c.482G>A (NM_017491.3); short protein forms R161Q.
Identifiers: ClinVar variation 1472336 (VCV001472336.7), dbSNP rs371080262, ClinGen allele CA2858046.

ClinVar aggregate classification (germline): Uncertain significance. Review status: criteria provided, multiple submitters, no conflicts (2 of 4 stars). 2 submissions from 2 submitters: Uncertain significance (2). Last evaluated 2023-02-16.

Conditions:
Inborn genetic diseases. Identifiers: MedGen C0950123, MeSH D030342.

Allele frequency attached by ClinVar (database versions not stated): gnomAD exomes 0.00001; ExAC 0.00002.
gnomAD v4.1: 11 of 1,613,778 alleles (0.00068%); highest among the groups gnomAD compares: East Asian, 0.0022%; no homozygotes.

Submissions (2):

Ambry Genetics
Classification: Uncertain significance for Inborn genetic diseases. Last evaluated: 2023-02-16. Review status: criteria provided, single submitter. Criteria: Ambry Variant Classification Scheme 2023. Collection method: clinical testing. Allele origin: germline.

Labcorp Genetics (formerly Invitae), Labcorp
Classification: Uncertain significance. Last evaluated: 2021-09-24. Review status: criteria provided, single submitter. Criteria: Invitae Variant Classification Sherloc (09022015). Collection method: clinical testing. Allele origin: germline.
Comment: In summary, the available evidence is currently insufficient to determine the role of this variant in disease. Therefore, it has been classified as a Variant of Uncertain Significance. Algorithms developed to predict the effect of missense changes on protein structure and function are either unavailable or do not agree on the potential impact of this missense change (SIFT: "Deleterious"; PolyPhen-2: "Possibly Damaging"; Align-GVGD: "Class C0"). This variant has not been reported in the literature in individuals affected with WDR1-related conditions. This variant is present in population databases (rs371080262, ExAC 0.02%). This sequence change replaces arginine with glutamine at codon 161 of the WDR1 protein (p.Arg161Gln). The arginine residue is highly conserved and there is a small physicochemical difference between arginine and glutamine.